The following is an entry in ClinVar:

NM_001134831.2(AHI1):c.2280T>A (p.Tyr760Ter)

Gene: AHI1 (Abelson helper integration site 1; minus strand). Cytogenetic location: 6q23.3.
Variant type: single nucleotide variant.
Coding change: c.2280T>A on transcript NM_001134831.2 (MANE Select); coding-DNA position 2280, T replaced by A.
Protein change: p.Tyr760Ter; replaces tyrosine 760 with a stop codon.
Molecular consequence: nonsense.
Genome position (GRCh38, 1-based): chr6:135,431,301, A>T on the plus strand (T>A on the coding strand, the complement: AHI1 is on the minus strand). VCF-style: chr6-135431301-A-T. GRCh37 (hg19) VCF-style: chr6-135752439-A-T.
Other names: c.2280T>A, p.Tyr760Ter (NM_001134830.2, NM_001134832.2, NM_001350503.2 and 2 more transcripts); short protein forms Y760*.
Identifiers: ClinVar variation 5013768 (VCV005013768.1).
Genomic context (GRCh38, chr6:135,431,301, plus strand): 5'-CAAATCATTAATCTTGACATAGGTATTCCAAACAACAATCACCCCTGTACAATCTCCTGA[A>T]TACATATGATGACCTATTTAAAAAAATAAGATCACTCACTTATGAATGTCACACAGAGTT-3'

ClinVar aggregate classification (germline): Pathogenic (1 of 4 stars; one submission).

Conditions:
Joubert syndrome 3 (JBTS3). Also called: AHI1-related Ciliopathy. Identifiers: Orphanet 220493, MedGen C1837713, MONDO:0012078, OMIM 608629.

Submission:

Myriad Genetics, Inc.
Classification: Pathogenic for Joubert syndrome 3. Last evaluated: 2024-11-19. Review status: criteria provided, single submitter. Criteria: Myriad Autosomal Dominant, Autosomal Recessive and X-Linked Classification Criteria (2023). Collection method: clinical testing. Allele origin: unknown.
Comment: NM_001134831.1(AHI1):c.2280T>A(Y760*) is expected to be pathogenic in the context of Joubert syndrome, AHI1-related. This variant is predicted to lead to an abnormal or absent protein product due to the creation of a premature termination codon in AHI1, a gene where loss-of-function variants are known to be pathogenic. Please note: this variant was assessed in the context of healthy population screening.